The following is an entry in ClinVar:

ClinVar aggregate classification (germline): Uncertain significance (1 of 4 stars; one submission).

Conditions:
Inborn genetic diseases. Identifiers: MedGen C0950123, MeSH D030342.

Allele frequency attached by ClinVar (database versions not stated): gnomAD exomes below 0.00001.
gnomAD v4.1: 1 of 1,612,784 alleles (0.000062%); highest among the groups gnomAD compares: Non-Finnish European, 0.000085%; no homozygotes.

Submission:

Ambry Genetics
Classification: Uncertain significance for Inborn genetic diseases. Last evaluated: 2022-06-24. Review status: criteria provided, single submitter. Criteria: Ambry Variant Classification Scheme 2023. Collection method: clinical testing. Allele origin: germline.
Comment: The p.Q577H variant (also known as c.1731A>T), located in coding exon 7 of the ATR gene, results from an A to T substitution at nucleotide position 1731. The glutamine at codon 577 is replaced by histidine, an amino acid with highly similar properties. This amino acid position is conserved. In addition, this alteration is predicted to be tolerated by in silico analysis. Since supporting evidence is limited at this time, the clinical significance of this alteration remains unclear.

NM_001184.4(ATR):c.1731A>T (p.Gln577His)

Gene: ATR (ATR checkpoint kinase; minus strand). Cytogenetic location: 3q23.
Variant type: single nucleotide variant.
Coding change: c.1731A>T on transcript NM_001184.4 (MANE Select); coding-DNA position 1731, A replaced by T.
Protein change: p.Gln577His; replaces glutamine 577 with histidine.
Molecular consequence: missense variant.
Genome position (GRCh38, 1-based): chr3:142,559,252, T>A on the plus strand (A>T on the coding strand, the complement: ATR is on the minus strand). VCF-style: chr3-142559252-T-A. GRCh37 (hg19) VCF-style: chr3-142278094-T-A.
Other names: c.1539A>T, p.Gln513His (NM_001354579.2); short protein forms Q513H, Q577H.
Identifiers: ClinVar variation 1778985 (VCV001778985.2), dbSNP rs2108479300, ClinGen allele CA354821669.
Genomic context (GRCh38, chr3:142,559,252, plus strand): 5'-ATATTTCTATACTGATTATCTTTAAAGGTTATTCTGATCTGTTGCTAATTTGTACTCACC[T>A]TGCATATAAATCAAAGCATCATAAATTTTCACCACCTTATCAATGGTTGCCTCCAGGTCC-3'
Protein context (NP_001175.2, residues 567-587): VKIYDALIYM[Gln577His]VNSSFEDHIL